The following is an entry in ClinVar:

ClinVar aggregate classification (germline): Uncertain significance (1 of 4 stars; one submission).

Submission:

Labcorp Genetics (formerly Invitae), Labcorp
Classification: Uncertain significance. Last evaluated: 2022-04-21. Review status: criteria provided, single submitter. Criteria: Invitae Variant Classification Sherloc (09022015). Collection method: clinical testing. Allele origin: germline.
Comment: In summary, the available evidence is currently insufficient to determine the role of this variant in disease. Therefore, it has been classified as a Variant of Uncertain Significance. Algorithms developed to predict the effect of missense changes on protein structure and function are either unavailable or do not agree on the potential impact of this missense change (SIFT: "Tolerated"; PolyPhen-2: "Possibly Damaging"; Align-GVGD: "Class C0"). This variant has not been reported in the literature in individuals affected with MAD2L2-related conditions. This variant is not present in population databases (gnomAD no frequency). This sequence change replaces valine, which is neutral and non-polar, with leucine, which is neutral and non-polar, at codon 203 of the MAD2L2 protein (p.Val203Leu).

NM_006341.4(MAD2L2):c.607G>T (p.Val203Leu)

Gene: MAD2L2 (mitotic arrest deficient 2 like 2; minus strand). Cytogenetic location: 1p36.22.
Variant type: single nucleotide variant.
Coding change: c.607G>T on transcript NM_006341.4 (MANE Select); coding-DNA position 607, G replaced by T.
Protein change: p.Val203Leu; replaces valine 203 with leucine.
Molecular consequence: missense variant.
Genome position (GRCh38, 1-based): chr1:11,674,804, C>A on the plus strand (G>T on the coding strand, the complement: MAD2L2 is on the minus strand). VCF-style: chr1-11674804-C-A. GRCh37 (hg19) VCF-style: chr1-11734861-C-A.
Other names: c.607G>T, p.Val203Leu (NM_001127325.2); short protein forms V203L.
Identifiers: ClinVar variation 2128836 (VCV002128836.4), dbSNP rs757456103, ClinGen allele CA338414787.